The following is an entry in ClinVar:

ClinVar aggregate classification (germline): Benign (1 of 4 stars; one submission).

Conditions:
Episodic ataxia type 1 (EA1). Also called: ATAXIA, EPISODIC, WITH MYOKYMIA; MYOKYMIA WITH PERIODIC ATAXIA; PAROXYSMAL ATAXIA WITH NEUROMYOTONIA, HEREDITARY; Episodic ataxia/myokymia syndrome. Identifiers: Orphanet 37612, Orphanet 972, MedGen C1719788, MONDO:0008047, OMIM 160120.

Allele frequency attached by ClinVar (database versions not stated): gnomAD exomes 0.00007; gnomAD 0.00475 and 0.00509; 1000 Genomes Project 0.00499; 1000 Genomes Project 30x 0.00531; TOPMed 0.00590.
gnomAD v4.1: 719 of 167,160 alleles (0.43%); highest among the groups gnomAD compares: African/African-American, 1.6%; 6 homozygotes.

Submission:

Illumina Laboratory Services, Illumina
Classification: Benign for Episodic ataxia type 1. Last evaluated: 2018-01-12. Review status: criteria provided, single submitter. Criteria: ICSL Variant Classification Criteria 13 December 2019. Collection method: clinical testing. Allele origin: germline.
Comment: This variant was observed in the ICSL laboratory as part of a predisposition screen in an ostensibly healthy population. It had not been previously curated by ICSL or reported in the Human Gene Mutation Database (HGMD: prior to June 1st, 2018), and was therefore a candidate for classification through an automated scoring system. Utilizing variant allele frequency, disease prevalence and penetrance estimates, and inheritance mode, an automated score was calculated to assess if this variant is too frequent to cause the disease. Based on the score and internal cut-off values, a variant classified as benign is not then subjected to further curation. The score for this variant resulted in a classification of benign for this disease.

NM_000217.3(KCNA1):c.*3840G>A

Gene: KCNA1 (potassium voltage-gated channel subfamily A member 1; plus strand). Cytogenetic location: 12p13.32.
Variant type: single nucleotide variant.
Coding change: c.*3840G>A on transcript NM_000217.3 (MANE Select); 3840 bases downstream of the stop codon, G replaced by A.
Molecular consequence: 3 prime UTR variant.
Genome position (GRCh38, 1-based): chr12:4,916,706, G>A. VCF-style: chr12-4916706-G-A. GRCh37 (hg19) VCF-style: chr12-5025872-G-A.
Identifiers: ClinVar variation 309206 (VCV000309206.6), dbSNP rs148103166, ClinGen allele CA10637720.
Genomic context (GRCh38, chr12:4,916,706, plus strand): 5'-GTCCTTCTCCAGGATTCTGGCCAGTGGGCAGTCATTTCCCTGAAATGAATTGTAGGGCAG[G>A]TTTAGATTCCACTATGGTGGACGTGAAGCACAGGTGGTGTCACAATCTTGATTTGCTTGA-3'